The following is an entry in ClinVar:

NM_000089.4(COL1A2):c.1264A>T (p.Ser422Cys)

Gene: COL1A2 (collagen type I alpha 2 chain; plus strand). Cytogenetic location: 7q21.3.
Variant type: single nucleotide variant.
Coding change: c.1264A>T on transcript NM_000089.4 (MANE Select); coding-DNA position 1264, A replaced by T.
Protein change: p.Ser422Cys; replaces serine 422 with cysteine.
Molecular consequence: missense variant.
Genome position (GRCh38, 1-based): chr7:94,411,068, A>T. VCF-style: chr7-94411068-A-T. GRCh37 (hg19) VCF-style: chr7-94040380-A-T.
Other names: short protein forms S422C.
Identifiers: ClinVar variation 1901960 (VCV001901960.6), dbSNP rs1201866454, ClinGen allele CA368221501.

ClinVar aggregate classification (germline): Uncertain significance. Review status: criteria provided, multiple submitters, no conflicts (2 of 4 stars). 2 submissions from 2 submitters: Uncertain significance (2). Last evaluated 2022-08-19.

Conditions:
Ehlers-Danlos syndrome, classic type, 1 (EDSCL1). Also called: Ehlers-Danlos syndrome, type 1; Ehlers-Danlos Syndrome, Classic Type, COL5A1-Related; EDS I; EHLERS-DANLOS SYNDROME, GRAVIS TYPE; EHLERS-DANLOS SYNDROME, SEVERE CLASSIC TYPE. Identifiers: MedGen C0268335, MONDO:0019567, OMIM 130000.
Osteogenesis imperfecta type I (OI1). Also called: Osteogenesis imperfecta type 1; Lobstein's Disease; Lobstein disease; OI, TYPE I; OSTEOGENESIS IMPERFECTA TARDA; OSTEOGENESIS IMPERFECTA WITH BLUE SCLERAE. Identifiers: Orphanet 216796, Orphanet 666, MedGen C0023931, MONDO:0008146, OMIM 166200. Disease mechanism: loss of function.

gnomAD v4.1: 3 of 1,592,064 alleles (0.00019%); highest among the groups gnomAD compares: Non-Finnish European, 0.00026%; no homozygotes.

Submissions (2):

GeneDx
Classification: Uncertain significance. Last evaluated: 2022-08-19. Review status: criteria provided, single submitter. Criteria: GeneDx Variant Classification Process June 2021. Collection method: clinical testing. Allele origin: germline. Affected: yes.
Comment: Not observed at significant frequency in large population cohorts (gnomAD); In silico analysis supports that this missense variant has a deleterious effect on protein structure/function; Has not been previously published as pathogenic or benign to our knowledge; Occurs in the triple helical domain at the X position in the canonical Gly-X-Y repeat; although this variant may have an effect on normal protein folding and function, missense substitution at the X position is not a common mechanism of disease (HGMD)

Labcorp Genetics (formerly Invitae), Labcorp
Classification: Uncertain significance for Osteogenesis imperfecta type I; Ehlers-Danlos syndrome, classic type, 1. Last evaluated: 2022-04-08. Review status: criteria provided, single submitter. Criteria: Invitae Variant Classification Sherloc (09022015). Collection method: clinical testing. Allele origin: germline.
Comment: In summary, the available evidence is currently insufficient to determine the role of this variant in disease. Therefore, it has been classified as a Variant of Uncertain Significance. Advanced modeling of protein sequence and biophysical properties (such as structural, functional, and spatial information, amino acid conservation, physicochemical variation, residue mobility, and thermodynamic stability) performed at Invitae indicates that this missense variant is not expected to disrupt COL1A2 protein function. This variant has not been reported in the literature in individuals affected with COL1A2-related conditions. This variant is not present in population databases (gnomAD no frequency). This sequence change replaces serine, which is neutral and polar, with cysteine, which is neutral and slightly polar, at codon 422 of the COL1A2 protein (p.Ser422Cys).